The following is an entry in ClinVar:

NM_000260.4(MYO7A):c.5899C>G (p.Arg1967Gly)

Gene: MYO7A (myosin VIIA; plus strand). Cytogenetic location: 11q13.5.
Variant type: single nucleotide variant.
Coding change: c.5899C>G on transcript NM_000260.4 (MANE Select); coding-DNA position 5899, C replaced by G.
Protein change: p.Arg1967Gly; replaces arginine 1967 with glycine.
Molecular consequence: missense variant.
Genome position (GRCh38, 1-based): chr11:77,208,472, C>G. VCF-style: chr11-77208472-C-G. GRCh37 (hg19) VCF-style: chr11-76919517-C-G.
Other names: c.5785C>G, p.Arg1929Gly (NM_001127180.2); c.5752C>G, p.Arg1918Gly (NM_001369365.1); short protein forms R1918G, R1929G, R1967G.
Identifiers: ClinVar variation 989487 (VCV000989487.6), dbSNP rs376764423, ClinGen allele CA381932707.
Genomic context (GRCh38, chr11:77,208,472, plus strand): 5'-CGATGGCCCTGACCCCAGGTCCTCAGCGTTCCTGAGAATGACTTCTTCTTTGACTTTGTT[C>G]GACACTTGACAGACTGGATAAAGAAAGCTCGGCCCATCAAGGACGGTAATGAGGCCGGGT-3'
Protein context (NP_000251.3, residues 1957-1977): PENDFFFDFV[Arg1967Gly]HLTDWIKKAR

ClinVar aggregate classification (germline): Uncertain significance. Review status: criteria provided, single submitter (1 of 4 stars). 2 submissions from 2 submitters: Uncertain significance (1). 1 of the submissions does not count toward it. Last evaluated 2022-07-22.

Conditions:
Usher syndrome type 1B (USH1B). Also called: Usher syndrome type IB. Identifiers: MedGen C1848638, MONDO:0700087.

Submissions (2):

Labcorp Genetics (formerly Invitae), Labcorp
Classification: Uncertain significance. Last evaluated: 2022-07-22. Review status: criteria provided, single submitter. Criteria: Invitae Variant Classification Sherloc (09022015). Collection method: clinical testing. Allele origin: germline.
Comment: ClinVar contains an entry for this variant (Variation ID: 989487). This sequence change replaces arginine, which is basic and polar, with glycine, which is neutral and non-polar, at codon 1967 of the MYO7A protein (p.Arg1967Gly). This variant is not present in population databases (gnomAD no frequency). This variant has not been reported in the literature in individuals affected with MYO7A-related conditions. Advanced modeling of protein sequence and biophysical properties (such as structural, functional, and spatial information, amino acid conservation, physicochemical variation, residue mobility, and thermodynamic stability) performed at Invitae indicates that this missense variant is expected to disrupt MYO7A protein function. In summary, the available evidence is currently insufficient to determine the role of this variant in disease. Therefore, it has been classified as a Variant of Uncertain Significance.

Natera, Inc.
Classification: Uncertain significance for Usher syndrome type 1B. Last evaluated: 2020-04-17. Review status: no assertion criteria provided. Collection method: clinical testing. Allele origin: germline. Not counted in ClinVar's aggregate classification.